The following is an entry in ClinVar:

NM_001130438.3(SPTAN1):c.6975_6995delinsTC (p.Thr2326fs)

Gene: SPTAN1 (spectrin alpha, non-erythrocytic 1; plus strand). Cytogenetic location: 9q34.11.
Variant type: Indel.
Coding change: c.6975_6995delinsTC on transcript NM_001130438.3 (MANE Select); coding-DNA positions 6975 to 6995, GACTGAGGAGGCCCTCAAAGA replaced by TC.
Protein change: p.Thr2326fs; shifts the reading frame from threonine 2326.
Molecular consequence: frameshift variant.
Genome position (GRCh38, 1-based): chr9:128,632,446-128,632,466, GACTGAGGAGGCCCTCAAAGA replaced by TC. VCF-style: chr9-128632446-GACTGAGGAGGCCCTCAAAGA-TC. GRCh37 (hg19) VCF-style: chr9-131394725-GACTGAGGAGGCCCTCAAAGA-TC.
Other names: c.6900_6920delinsTC, p.Thr2301fs (NM_001195532.2); c.7038_7058delinsTC, p.Thr2347fs (NM_001363759.2); c.6915_6935delinsTC, p.Thr2306fs (NM_001363765.2, NM_001375314.2); c.7062_7082delinsTC, p.Thr2355fs (NM_001375310.1); c.6975_6995delinsTC, p.Thr2326fs (NM_001375311.2); c.7011_7031delinsTC, p.Thr2338fs (NM_001375312.2); c.6957_6977delinsTC, p.Thr2320fs (NM_001375313.1); c.7074_7094delinsTC, p.Thr2359fs (NM_001375318.1); and 1 more; short protein forms T2321fs, T2301fs, T2306fs, T2320fs, T2338fs, T2347fs, T2355fs, T2359fs.
Identifiers: ClinVar variation 2095342 (VCV002095342.4), dbSNP rs2542385486, ClinGen allele CA2580079759.
Genomic context (GRCh38, chr9:128,632,446, plus strand): 5'-CTGCTGTGTGGAGGGTCTGTTCCCTAATTTCTGTTTTTCTTCCAGGAACACAACAGGTGT[GACTGAGGAGGCCCTCAAAGA>TC]ATTCAGCATGATGTTTAAGTGAGTTCAGCCTTACTCGCCCTGGCTGGGTGGGGGGTGTTC-3'

ClinVar aggregate classification (germline): Pathogenic (1 of 4 stars; one submission).

Conditions:
Early-infantile DEE. Also called: Early infantile epileptic encephalopathy; Early infantile epileptic encephalopathy with suppression bursts; Ohtahara syndrome. Identifiers: Orphanet 1934, MedGen C0393706, MONDO:0800491.

Submission:

Labcorp Genetics (formerly Invitae), Labcorp
Classification: Pathogenic for Early-infantile DEE. Last evaluated: 2022-02-28. Review status: criteria provided, single submitter. Criteria: Invitae Variant Classification Sherloc (09022015). Collection method: clinical testing. Allele origin: germline.
Comment: This sequence change creates a premature translational stop signal (p.Thr2326Hisfs*4) in the SPTAN1 gene. It is expected to result in an absent or disrupted protein product. Loss-of-function variants in SPTAN1 are known to be pathogenic (PMID: 31332438, 33206935). This variant is not present in population databases (gnomAD no frequency). For these reasons, this variant has been classified as Pathogenic. This variant has not been reported in the literature in individuals affected with SPTAN1-related conditions.

Literature cited by the submitters: PubMed 31332438; PubMed 33206935.